The following is an entry in ClinVar:

NM_000368.5(TSC1):c.3205G>A (p.Glu1069Lys)

Gene: TSC1 (TSC complex subunit 1; minus strand). Cytogenetic location: 9q34.13.
Variant type: single nucleotide variant.
Coding change: c.3205G>A on transcript NM_000368.5 (MANE Select); coding-DNA position 3205, G replaced by A.
Protein change: p.Glu1069Lys; replaces glutamic acid 1069 with lysine.
Molecular consequence: missense variant.
Genome position (GRCh38, 1-based): chr9:132,896,525, C>T on the plus strand (G>A on the coding strand, the complement: TSC1 is on the minus strand). VCF-style: chr9-132896525-C-T. GRCh37 (hg19) VCF-style: chr9-135771912-C-T.
Other names: c.3202G>A, p.Glu1068Lys (NM_001162426.2); c.3052G>A, p.Glu1018Lys (NM_001162427.2); c.2842G>A, p.Glu948Lys (NM_001362177.2); short protein forms E1018K, E1068K, E1069K, E948K.
Identifiers: ClinVar variation 1019611 (VCV001019611.12), dbSNP rs1845061706, ClinGen allele CA375367024.

ClinVar aggregate classification (germline): Uncertain significance. Review status: criteria provided, multiple submitters, no conflicts (2 of 4 stars). 3 submissions from 3 submitters: Uncertain significance (3). Last evaluated 2025-12-18.

Conditions:
Hereditary cancer-predisposing syndrome. Also called: Hereditary Cancer Syndrome; Neoplastic Syndromes, Hereditary; Tumor predisposition; Hereditary neoplastic syndrome. Identifiers: Orphanet 140162, MedGen C0027672, MeSH D009386, MONDO:0015356.
Tuberous sclerosis syndrome (TSC). Also called: Tuberous Sclerosis Complex; Tuberous sclerosis. Identifiers: Orphanet 805, MedGen C0041341, MONDO:0001734.
Tuberous sclerosis 1 (TSC1). Identifiers: Orphanet 805, MedGen C1854465, MONDO:0008612, OMIM 191100.

Submissions (3):

Ambry Genetics
Classification: Uncertain significance for Hereditary cancer-predisposing syndrome. Last evaluated: 2025-12-18. Review status: criteria provided, single submitter. Criteria: Ambry Variant Classification Scheme 2023. Collection method: clinical testing. Allele origin: germline.
Comment: The p.E1069K variant (also known as c.3205G>A), located in coding exon 21 of the TSC1 gene, results from a G to A substitution at nucleotide position 3205. The glutamic acid at codon 1069 is replaced by lysine, an amino acid with similar properties. This amino acid position is well conserved in available vertebrate species. In addition, the in silico prediction for this alteration is inconclusive. Based on the available evidence, the clinical significance of this variant remains unclear.

All of Us Research Program, National Institutes of Health
Classification: Uncertain significance for Tuberous sclerosis syndrome. Last evaluated: 2023-08-15. Review status: criteria provided, single submitter. Criteria: ACMG Guidelines, 2015. Collection method: clinical testing. Allele origin: germline. Inheritance: Autosomal dominant inheritance. Observed: 1 variant allele, 1 heterozygote.
Comment: This missense variant replaces glutamic acid with lysine at codon 1069 of the TSC1 protein. Computational prediction suggests that this variant may not impact protein structure and function (internally defined REVEL score threshold <= 0.5, PMID: 27666373). To our knowledge, functional studies have not been reported for this variant. This variant has not been reported in individuals affected with TSC1-related disorders in the literature. This variant has not been identified in the general population by the Genome Aggregation Database (gnomAD). The available evidence is insufficient to determine the role of this variant in disease conclusively. Therefore, this variant is classified as a Variant of Uncertain Significance.

This study involves interpretation of variants in research participants for the purpose of population health screening. Participant phenotype was not available at the time of variant classification. Additional details can be found in publication PMID: 35346344, PMCID: PMC8962531

Labcorp Genetics (formerly Invitae), Labcorp
Classification: Uncertain significance for Tuberous sclerosis 1. Last evaluated: 2020-05-20. Review status: criteria provided, single submitter. Criteria: Invitae Variant Classification Sherloc (09022015). Collection method: clinical testing. Allele origin: germline.
Comment: This sequence change replaces glutamic acid with lysine at codon 1069 of the TSC1 protein (p.Glu1069Lys). The glutamic acid residue is moderately conserved and there is a small physicochemical difference between glutamic acid and lysine. This variant is not present in population databases (ExAC no frequency). This variant has not been reported in the literature in individuals with TSC1-related conditions. Algorithms developed to predict the effect of missense changes on protein structure and function are either unavailable or do not agree on the potential impact of this missense change (SIFT: "Tolerated"; PolyPhen-2: "Possibly Damaging"; Align-GVGD: "Class C0"). In summary, the available evidence is currently insufficient to determine the role of this variant in disease. Therefore, it has been classified as a Variant of Uncertain Significance.